The following is an entry in ClinVar:

NM_182916.3(TRNT1):c.-55_-47dup

Genes: TRNT1 (tRNA nucleotidyl transferase 1; plus strand), LOC129936047 (ATAC-STARR-seq lymphoblastoid silent region 14009; plus strand). Cytogenetic location: 3p26.2.
Variant type: Duplication.
Coding change: c.-55_-47dup on transcript NM_182916.3 (MANE Select); 55 bases upstream of the start codon through 47 bases upstream of the start codon, 9 bases duplicated (GGTGGCGGC; older notation c.-55_-47dupGGTGGCGGC).
Molecular consequence: 5 prime UTR variant. On other transcripts: non-coding transcript variant (11).
Genome position (GRCh38, 1-based): chr3:3,126,963-3,126,971, GGTGGCGGC duplicated; duplicating any 9 consecutive bases within chr3:3,126,955-3,126,971 gives the same sequence; the c. name uses the placement nearest the transcript's 3' end. VCF-style (leftmost placement, unchanged base first): chr3-3126954-C-CGTGGCGGCG. GRCh37 (hg19) VCF-style: chr3-3168638-C-CGTGGCGGCG.
Other names: c.-55_-47dup (NM_001367321.1, NM_001302946.2); c.-354_-346dup (NM_001367322.1); c.-1083_-1075dup (NM_001367323.1).
Identifiers: ClinVar variation 681405 (VCV000681405.1), dbSNP rs1483549263, ClinGen allele CA540768100.

ClinVar aggregate classification (germline): Likely benign (1 of 4 stars; one submission).

Submission:

GeneDx
Classification: Likely benign. Last evaluated: 2018-04-12. Review status: criteria provided, single submitter. Criteria: GeneDx Variant Classification (06012015). Collection method: clinical testing. Allele origin: germline. Affected: yes.
Comment: This variant is considered likely benign or benign based on one or more of the following criteria: it is a conservative change, it occurs at a poorly conserved position in the protein, it is predicted to be benign by multiple in silico algorithms, and/or has population frequency not consistent with disease.